The following is an entry in ClinVar:

NM_000135.4(FANCA):c.2738A>C (p.His913Pro)

Gene: FANCA (FA complementation group A; minus strand). Cytogenetic location: 16q24.3.
Variant type: single nucleotide variant.
Coding change: c.2738A>C on transcript NM_000135.4 (MANE Select); coding-DNA position 2738, A replaced by C.
Protein change: p.His913Pro; replaces histidine 913 with proline.
Molecular consequence: missense variant.
Genome position (GRCh38, 1-based): chr16:89,764,930, T>G on the plus strand (A>C on the coding strand, the complement: FANCA is on the minus strand). VCF-style: chr16-89764930-T-G. GRCh37 (hg19) VCF-style: chr16-89831338-T-G.
Other names: c.2738A>C, p.His913Pro (NM_001286167.3); c.2738A>C (NM_000135.3); short protein forms H913P.
Identifiers: ClinVar variation 555969 (VCV000555969.22), dbSNP rs1302083447, ClinGen allele CA397438104.

ClinVar aggregate classification (germline): Pathogenic/Likely pathogenic. Review status: criteria provided, multiple submitters, no conflicts (2 of 4 stars). 9 submissions from 9 submitters: Pathogenic (5); Likely pathogenic (2). 2 of the submissions do not count toward it. Last evaluated 2025-10-02.

Conditions:
Fanconi anemia (FA). Also called: Fanconi's anemia. Identifiers: Orphanet 84, MedGen C0015625, MeSH D005199, MONDO:0019391.
Fanconi anemia complementation group A (FANCA). Also called: FANCA-Related Fanconi Anemia; Fanconi anemia, group A. Identifiers: Orphanet 84, MedGen C3469521, MONDO:0009215, OMIM 227650.

Allele frequency attached by ClinVar (database versions not stated): gnomAD 0.00001; TOPMed 0.00001.
gnomAD v4.1: 3 of 1,614,068 alleles (0.00019%); highest among the groups gnomAD compares: Non-Finnish European, 0.00025%; no homozygotes.

Submissions (9):

Natera, Inc.
Classification: Pathogenic for Fanconi anemia. Last evaluated: 2025-10-02. Review status: criteria provided, single submitter. Criteria: Natera Variant Classification Schema (03/2026). Collection method: clinical testing. Allele origin: germline.
Comment: The c.2738A>C variant in FANCA is a missense variant predicted to cause substitution of histidine to proline at amino acid 913. This variant is rare in the general population with a frequency below the threshold expected for the associated phenotype(s). This variant has been observed in one or more individuals affected with the associated recessive disease, as either homozygous or compound heterozygous with a second variant (PMID: 24584348, 29098742). Computational prediction algorithms indicate this variant is likely to affect gene or protein function. Given the available evidence, this variant is classified as Pathogenic.

GeneKor MSA
Classification: Pathogenic for Fanconi anemia complementation group A. Last evaluated: 2025-05-15. Review status: criteria provided, single submitter. Criteria: ACMG Guidelines, 2015. Collection method: clinical testing. Allele origin: germline. Affected: yes.
Comment: This variant is a single nucleotide substitution at position 2738 of the FANCA gene, resulting in the replacement of histidine with proline at position 913 of the FANCA protein (p.His913Pro). This specific variant has been reported in patients with Fanconi anemia (FA) (PMID:29098742, 29269525). It is listed in population databases (rs1302083447, gnomAD frequency:0.007%) and in the ClinVar database (VCV000555969.19).n silico prediction algorithms suggest that this missense change may affect the function or structure of the protein, and these predictions have been experimentally confirmed.Based on this evidence, the variant is classified as pathogenic.

Fulgent Genetics
Classification: Likely pathogenic for Fanconi anemia complementation group A. Last evaluated: 2024-06-25. Review status: criteria provided, single submitter. Criteria: ACMG Guidelines, 2015. Collection method: clinical testing. Allele origin: germline.

Baylor Genetics
Classification: Pathogenic for Fanconi anemia complementation group A. Last evaluated: 2024-03-03. Review status: criteria provided, single submitter. Criteria: ACMG Guidelines, 2015. Collection method: clinical testing. Allele origin: unknown.

Labcorp Genetics (formerly Invitae), Labcorp
Classification: Pathogenic for Fanconi anemia. Last evaluated: 2024-01-24. Review status: criteria provided, single submitter. Criteria: Invitae Variant Classification Sherloc (09022015). Collection method: clinical testing. Allele origin: germline.
Comment: This sequence change replaces histidine, which is basic and polar, with proline, which is neutral and non-polar, at codon 913 of the FANCA protein (p.His913Pro). This variant is present in population databases (no rsID available, gnomAD 0.007%). This missense change has been observed in individuals with Fanconi anemia (PMID: 29098742, 29269525). ClinVar contains an entry for this variant (Variation ID: 555969). Advanced modeling of protein sequence and biophysical properties (such as structural, functional, and spatial information, amino acid conservation, physicochemical variation, residue mobility, and thermodynamic stability) performed at Invitae indicates that this missense variant is not expected to disrupt FANCA protein function with a negative predictive value of 80%. Experimental studies have shown that this missense change affects FANCA function (PMID: 29269525). For these reasons, this variant has been classified as Pathogenic.

Genetic Services Laboratory, University of Chicago
Classification: Pathogenic. Last evaluated: 2019-07-12. Review status: criteria provided, single submitter. Criteria: ACMG Guidelines, 2015. Collection method: clinical testing. Allele origin: germline. Affected: yes.
Comment: DNA sequence analysis of the FANCA gene demonstrated a sequence change, c.2621G>C in exon 28, which results in an amino acid change, p.Arg874Thr. The p.Arg874Thr change affects a highly conserved amino acid residue located in a domain of the FANCA protein that is not known to be functional. The p.Arg874Thr substitution appears to be deleterious using several in-silico pathogenicity prediction tools (SIFT, PolyPhen2, CADD, REVEL, in silico splice prediction programs). This sequence change is absent from large population databases such as ExAC and gnomAD. The p.Arg874Thr amino acid change occurs in a region of the FANCA gene where other missense sequence changes have been described in patients with FANCA-related disorders (PMIDs: 15643609, 24116929).

Molecular Diagnostics Laboratory, M Health Fairview: University of Minnesota
Classification: Likely pathogenic for Fanconi anemia complementation group A. Last evaluated: 2018-07-02. Review status: criteria provided, single submitter. Criteria: ACMG Guidelines, 2015. Collection method: clinical testing. Allele origin: germline. Affected: yes. Observed: 1 variant allele.

Counsyl
Classification: Likely pathogenic for Fanconi anemia complementation group A. Last evaluated: 2018-01-04. Review status: no assertion criteria provided. Collection method: clinical testing. Allele origin: unknown. Not counted in ClinVar's aggregate classification.

GeneReviews
No classification provided. Condition: Fanconi anemia complementation group A. Review status: no classification provided. Collection method: literature only. Allele origin: germline. Not counted in ClinVar's aggregate classification.
Comment: Associated with slower hematologic disease progression

Literature cited by the submitters: PubMed 24584348 (cited by 3 submitters); PubMed 29098742 (cited by 3 submitters); PubMed 29269525 (cited by 4 submitters); PubMed 29093742 (cited by Molecular Diagnostics Laboratory, M Health Fairview: University of Minnesota); PubMed 15643609 (cited by Counsyl); PubMed 20301575 (cited by GeneReviews).